The following is an entry in ClinVar:

NM_001458.5(FLNC):c.970-4A>G

Gene: FLNC (filamin C; plus strand). Cytogenetic location: 7q32.1.
Variant type: single nucleotide variant.
Coding change: c.970-4A>G on transcript NM_001458.5 (MANE Select); 4 bases into the intron before coding-DNA position 970, A replaced by G.
Molecular consequence: intron variant.
Genome position (GRCh38, 1-based): chr7:128,837,983, A>G. VCF-style: chr7-128837983-A-G. GRCh37 (hg19) VCF-style: chr7-128478037-A-G.
Other names: p.?; c.970-4A>G (NM_001127487.2).
Identifiers: ClinVar variation 432231 (VCV000432231.40), dbSNP rs532143625, ClinGen allele CA4474188.
Genomic context (GRCh38, chr7:128,837,983, plus strand): 5'-CACTGTGGGGTCAGGAGGGGCTATGGTCATTGGAGAGGCTTCCAATCTTTTTCCTTCCTA[A>G]TAGGCTAAGGTGGTTCCCAACAATGACAAGGATCGCACCTATGCTGTCTCCTATGTGCCC-3'

ClinVar aggregate classification (germline): Conflicting classifications of pathogenicity. Review status: criteria provided, conflicting classifications (1 of 4 stars). 14 submissions from 14 submitters: Pathogenic (7); Likely pathogenic (2); Uncertain significance (4); Likely benign (1). Last evaluated 2026-05-25.

Conditions:
Primary familial dilated cardiomyopathy (FDC). Also called: Hypokinetic dilated cardiomyopathy, familial; Familial dilated cardiomyopathy. Identifiers: Orphanet 217607, MedGen C0340427, MONDO:0016333.
Primary dilated cardiomyopathy (DCM). Also called: Dilated Cardiomyopathy. Identifiers: Orphanet 217604, MedGen C0007193, MeSH D002311, MONDO:0005021, HP:0001644. Inheritance: Various modes of inheritance.
Arrhythmogenic right ventricular cardiomyopathy (ARVD). Also called: Arrhythmogenic right ventricular dysplasia; Arrhythmogenic cardiomyopathy; Cardiomyopathy, ARVC; Arrhythmogenic Right Ventricular Cardiomyopathy (ARVC). Identifiers: Orphanet 247, MedGen C0349788, MeSH D019571, MONDO:0016587. Disease mechanism: loss of function. Inheritance: Various modes of inheritance.
FLNC-related disorder. Also called: FLNC-related condition; FLNC-related disorders.
Cardiovascular phenotype. Identifiers: MedGen CN230736.
Cardiomyopathy (CMYO). Also called: Cardiomyopathies. Identifiers: Orphanet 167848, MedGen C0878544, MONDO:0004994, HP:0001638. Inheritance: Various modes of inheritance.
Myofibrillar myopathy 5. Also called: FILAMINOPATHY, AUTOSOMAL DOMINANT; Filaminopathy (type). Identifiers: Orphanet 171445, MedGen C1836050, MONDO:0012289, OMIM 609524.
Distal myopathy with posterior leg and anterior hand involvement. Also called: WILLIAMS DISTAL MYOPATHY. Identifiers: Orphanet 63273, MedGen C3279722, MONDO:0013550, OMIM 614065.
Hypertrophic cardiomyopathy 26. Also called: Cardiomyopathy, familial hypertrophic, 26. Identifiers: Orphanet 75249, MedGen C4310749, MONDO:0014883, OMIM 617047.

Allele frequency attached by ClinVar (database versions not stated): gnomAD exomes 0.00002 and 0.00021; TOPMed 0.00010; gnomAD 0.00014 and 0.00015; ExAC 0.00002.
gnomAD v4.1: 325 of 1,613,322 alleles (0.02%); highest among the groups gnomAD compares: Non-Finnish European, 0.027%; no homozygotes.

Submissions 1 to 9 of 14:

PreventionGenetics, part of Exact Sciences
Classification: Uncertain significance for FLNC-related condition. Last evaluated: 2026-05-25. Review status: criteria provided, single submitter. Criteria: ACMG Guidelines, 2015. Collection method: clinical testing. Allele origin: germline.
Comment: The FLNC c.970-4A>G variant is predicted to interfere with splicing. This variant has been reported in four families with a wide phenotypic spectrum, ranging from mild ventricular dysfunction with palpitations to severe ventricular arrhythmias or progressive cardiomyopathy (Verdonschot et al. 2020. PubMed ID: 32112656; Gigli et al. 2021. PubMed ID: 34587765; O'Neill et al. 2023. PubMed ID: 37164047). Reverse transcription polymerase chain reaction (RT-PCR) studies in patient peripheral blood and patient induced pluripotent stem cell-derived cardiomyocytes (iPSC-CMs) showed that this variant activates a cryptic splice acceptor site, introducing a 3 bp insertion containing a premature termination codon (TAG). iPSC-CMs experiments suggested that this variant results in aberrant electrophysiological functions (O'Neill et al. 2023. PubMed ID: 37164047). However, this variant was also documented in an affected individual who also carried a nonsense variant in FLNC (Ohiri. 2020. DOI 10.1161/res.127.suppl_1.454). This variant is reported in 0.010% of alleles in individuals of European (non-Finnish) descent in gnomAD v2 (as displayed in the table above). However, in gnomAD v4 (available only on GRCh38), this variant is reported in 0.027% of alleles in individuals of European (non-Finnish) descent, including over 300 heterozygotes. This variant has conflicting classifications listed in ClinVar ranging from uncertain to pathogenic (ClinVar ID: 432231). At this time, the clinical significance of this variant is uncertain due to the absence of conclusive functional and genetic evidence.

Institute of Human Genetics, University of Leipzig Medical Center
Classification: Pathogenic for Hypertrophic cardiomyopathy 26. Last evaluated: 2026-04-30. Review status: criteria provided, single submitter. Criteria: ACMG Guidelines, 2015. Collection method: clinical testing. Allele origin: unknown. Inheritance: Autosomal dominant inheritance. Affected: yes.
Comment: Criteria applied: PVS1,PS4,PP1

Labcorp Genetics (formerly Invitae), Labcorp
Classification: Pathogenic for Distal myopathy with posterior leg and anterior hand involvement; Myofibrillar myopathy 5; Hypertrophic cardiomyopathy 26. Last evaluated: 2026-01-28. Review status: criteria provided, single submitter. Criteria: Invitae Variant Classification Sherloc (09022015). Collection method: clinical testing. Allele origin: germline.
Comment: This sequence change falls in intron 5 of the FLNC gene. It does not directly change the encoded amino acid sequence of the FLNC protein. RNA analysis indicates that this variant induces altered splicing and may result in an absent or altered protein product. This variant is present in population databases (rs532143625, gnomAD 0.009%). This variant has been observed in individuals with clinical features of FLNC-related conditions (PMID: 32112656, 34587765, 37164047; internal data). ClinVar contains an entry for this variant (Variation ID: 432231). Studies have shown that this variant results in activation of a cryptic splice site, and produces a non-functional protein and/or introduces a premature termination codon (PMID: 37164047). For these reasons, this variant has been classified as Pathogenic.

GeneDx
Classification: Uncertain significance. Last evaluated: 2026-01-23. Review status: criteria provided, single submitter. Criteria: GeneDx Variant Classification Process June 2021. Collection method: clinical testing. Allele origin: germline. Affected: yes.
Comment: Identified in patients with cardiomyopathy, including peripartum cardiomyopathy, dilated cardiomyopathy (DCM), and arrhythmogenic cardiomyopathy (ACM) in published literature; several patients harbored additional cardiogenetic variants (PMID: 32112656, 34587765, 37164047, 38761081); A published functional study demonstrates a damaging effect as c.970-4A>G activated the cryptic SAS, introducing a 3-bp insertion which results in protein truncation and nonsense mediated decay; patch clamp studies also showed irregular spontaneous action potentials, increased action potential duration, and increased sodium late current (PMID: 37164047); In silico analysis supports a deleterious effect on splicing; This variant is associated with the following publications: (PMID: 32112656, 37164047, 34587765, 38761081, 38657199)

CeGaT Center for Human Genetics Tuebingen
Classification: Pathogenic. Last evaluated: 2025-05-01. Review status: criteria provided, single submitter. Criteria: CeGaT Center For Human Genetics Tuebingen Variant Classification Criteria Version 2. Collection method: clinical testing. Allele origin: germline. Affected: yes. Observed: 1 variant allele.
Comment: FLNC: PVS1, PP1:Moderate, PS4:Moderate

Women's Health and Genetics/Laboratory Corporation of America, LabCorp
Classification: Pathogenic for Primary familial dilated cardiomyopathy. Last evaluated: 2025-03-28. Review status: criteria provided, single submitter. Criteria: LabCorp Variant Classification Summary - May 2015. Collection method: clinical testing. Allele origin: germline.
Comment: Variant summary: FLNC c.970-4A>G alters a non-conserved nucleotide located close to a canonical splice site and therefore could affect mRNA splicing, leading to a significantly altered protein sequence. Several computational tools predict a significant impact on normal splicing: Two predict the variant weakens a 3' acceptor site. One predicts the variant abolishes a 3' acceptor site. Four predict the variant creates a 3' cryptic acceptor site. At least one publication reports experimental evidence that this variant affects mRNA splicing by creating a cryptic splice acceptor site and introducing a 3-bp insertion containing a premature termination codon (ONeill_2023). The variant allele was found at a frequency of 2.4e-05 in 249292 control chromosomes. c.970-4A>G has been reported in the literature in multiple individuals affected with dilated cardiomyopathy and was shown to segregate with disease in at least one family (e.g., ONeill_2023). The following publication has been ascertained in the context of this evaluation (PMID: 37164047).ClinVar contains an entry for this variant (Variation ID: 432231). Based on the evidence outlined above, the variant was classified as pathogenic.

Ambry Genetics
Classification: Uncertain significance for Cardiovascular phenotype. Last evaluated: 2025-02-25. Review status: criteria provided, single submitter. Criteria: Ambry Variant Classification Scheme 2023. Collection method: clinical testing. Allele origin: germline.
Comment: The c.970-4A>G intronic variant results from an A to G substitution 4 nucleotides before coding exon 6 in the FLNC gene. This variant has been detected in probands with dilated cardiomyopathy (DCM) and/or arrhythmogenic cardiomyopathy, and has shown some segregation with disease features in families; however, in some cases, clinical details were limited or additional variants in cardiac-related genes were detected (Verdonschot JAJ et al. Hum Mutat, 2020 06;41:1091-1111; Gigli M et al. Circulation. 2021 Nov;144(20):1600-1611; O'Neill MJ et al. Heart Rhythm. 2023 Aug;20(8):1158-1166). RNA studies by one group have indicated that this alteration results in abnormal splicing (O'Neill MJ et al. Heart Rhythm. 2023 Aug;20(8):1158-1166). This nucleotide position is not well conserved in available vertebrate species. In silico splice site analysis predicts that this alteration will result in the creation or strengthening of a novel splice acceptor site. Based on the available evidence, the clinical significance of this alteration remains unclear.

Mayo Clinic Laboratories, Mayo Clinic
Classification: Pathogenic. Last evaluated: 2024-12-27. Review status: criteria provided, single submitter. Criteria: ACMG Guidelines, 2015. Collection method: clinical testing. Allele origin: germline. Observed: 2 variant alleles.
Comment: PP1_strong, PP4, PM3, PS4_moderate, PVS1

Blueprint Genetics
Classification: Likely benign. Last evaluated: 2024-10-16. Review status: criteria provided, single submitter. Criteria: ACMG Guidelines, 2015. Collection method: clinical testing. Allele origin: germline.